The following is an entry in ClinVar:

NM_018122.5(DARS2):c.1567C>T (p.Arg523Cys)

Gene: DARS2 (aspartyl-tRNA synthetase 2, mitochondrial; plus strand). Cytogenetic location: 1q25.1.
Variant type: single nucleotide variant.
Coding change: c.1567C>T on transcript NM_018122.5 (MANE Select); coding-DNA position 1567, C replaced by T.
Protein change: p.Arg523Cys; replaces arginine 523 with cysteine.
Molecular consequence: missense variant.
Genome position (GRCh38, 1-based): chr1:173,853,798, C>T. VCF-style: chr1-173853798-C-T. GRCh37 (hg19) VCF-style: chr1-173822936-C-T.
Other names: c.1414C>T, p.Arg472Cys (NM_001365212.1); short protein forms R523C, R472C.
Identifiers: ClinVar variation 451301 (VCV000451301.5), dbSNP rs771329506, ClinGen allele CA1250465.

ClinVar aggregate classification (germline): Uncertain significance (1 of 4 stars; one submission).

Allele frequency attached by ClinVar (database versions not stated): gnomAD 0.00001; gnomAD exomes 0.00001 and 0.00002; TOPMed 0.00001; ExAC 0.00002.
gnomAD v4.1: 16 of 1,613,404 alleles (0.00099%); highest among the groups gnomAD compares: Admixed American, 0.005%; no homozygotes.

Submission:

GeneDx
Classification: Uncertain significance. Last evaluated: 2022-06-24. Review status: criteria provided, single submitter. Criteria: GeneDx Variant Classification Process June 2021. Collection method: clinical testing. Allele origin: germline. Affected: yes.
Comment: Not observed at significant frequency in large population cohorts (gnomAD); In silico analysis supports that this missense variant has a deleterious effect on protein structure/function; Has not been previously published as pathogenic or benign to our knowledge